The following is an entry in ClinVar:

NM_000112.4(SLC26A2):c.225GAA[1] (p.Lys76del)

Gene: SLC26A2 (solute carrier family 26 member 2; plus strand). Cytogenetic location: 5q32.
Variant type: Microsatellite.
Coding change: c.225GAA[1] on transcript NM_000112.4 (MANE Select); one copy of the 3-base unit GAA starting at c.225; the reference has two copies in a row; one copy, 3 bases deleted; also written c.228_230del.
Protein change: p.Lys76del; deletes lysine 76.
Molecular consequence: inframe deletion.
Genome position (GRCh38, 1-based): chr5:149,977,880-149,977,882, GAA deleted; deleting any 3 consecutive bases within chr5:149,977,876-149,977,882 gives the same sequence; the position shown is the placement nearest the transcript's 3' end. VCF-style (leftmost placement, unchanged base first): chr5-149977875-CAGA-C. GRCh37 (hg19) VCF-style: chr5-149357438-CAGA-C.
Other names: c.228_230del (NM_000112.4); short protein forms K76del.
Identifiers: ClinVar variation 1043792 (VCV001043792.7), dbSNP rs1204857377, ClinGen allele CA563955677.

ClinVar aggregate classification (germline): Uncertain significance. Review status: criteria provided, multiple submitters, no conflicts (2 of 4 stars). 3 submissions from 3 submitters: Uncertain significance (2). 1 of the submissions does not count toward it. Last evaluated 2024-12-03.

Conditions:
Achondrogenesis, type IB (ACG1B). Also called: Achondrogenesis Type 1B. Identifiers: Orphanet 932, Orphanet 93298, MedGen C0265274, MONDO:0010966, OMIM 600972.
Multiple epiphyseal dysplasia type 4 (EDM4). Also called: MULTIPLE EPIPHYSEAL DYSPLASIA WITH BILAYERED PATELLAE; MULTIPLE EPIPHYSEAL DYSPLASIA WITH CLUBFOOT; MULTIPLE EPIPHYSEAL DYSPLASIA, AUTOSOMAL RECESSIVE; Multiple Epiphyseal Dysplasia, Recessive; SLC26A2-Related Multiple Epiphyseal Dysplasia. Identifiers: Orphanet 93307, MedGen C1847593, MONDO:0009189, OMIM 226900.
Atelosteogenesis type II (AO2). Also called: NEONATAL OSSEOUS DYSPLASIA I; SLC26A2-Related Atelosteogenesis; Neonatal osseous dysplasia 1. Identifiers: Orphanet 56304, MedGen C1850554, MONDO:0009727, OMIM 256050.
Diastrophic dysplasia (DTD). Also called: Diastrophic dwarfism. Identifiers: Orphanet 628, MedGen C0220726, MONDO:0009107, OMIM 222600.

Submissions (3):

Labcorp Genetics (formerly Invitae), Labcorp
Classification: Uncertain significance for Atelosteogenesis type II; Multiple epiphyseal dysplasia type 4; Achondrogenesis, type IB; Diastrophic dysplasia. Last evaluated: 2024-12-03. Review status: criteria provided, single submitter. Criteria: Invitae Variant Classification Sherloc (09022015). Collection method: clinical testing. Allele origin: germline.
Comment: This variant, c.228_230del, results in the deletion of 1 amino acid(s) of the SLC26A2 protein (p.Lys76del), but otherwise preserves the integrity of the reading frame. This variant is present in population databases (no rsID available, gnomAD 0.04%). This variant has not been reported in the literature in individuals affected with SLC26A2-related conditions. Experimental studies and prediction algorithms are not available or were not evaluated, and the functional significance of this variant is currently unknown. In summary, the available evidence is currently insufficient to determine the role of this variant in disease. Therefore, it has been classified as a Variant of Uncertain Significance.

Breakthrough Genomics
Classification: Uncertain significance. Review status: criteria provided, single submitter. Criteria: ACMG Guidelines, 2015. Collection method: not provided. Allele origin: germline. Inheritance: Autosomal recessive inheritance. Affected: yes.

Natera, Inc.
Classification: Uncertain significance for Achondrogenesis type IB. Last evaluated: 2020-11-18. Review status: no assertion criteria provided. Collection method: clinical testing. Allele origin: germline. Not counted in ClinVar's aggregate classification.